The following is an entry in ClinVar:

NM_000288.4(PEX7):c.733A>T (p.Ile245Phe)

Gene: PEX7 (peroxisomal biogenesis factor 7; plus strand). Cytogenetic location: 6q23.3.
Variant type: single nucleotide variant.
Coding change: c.733A>T on transcript NM_000288.4 (MANE Select); coding-DNA position 733, A replaced by T.
Protein change: p.Ile245Phe; replaces isoleucine 245 with phenylalanine.
Molecular consequence: missense variant.
Genome position (GRCh38, 1-based): chr6:136,869,989, A>T. VCF-style: chr6-136869989-A-T. GRCh37 (hg19) VCF-style: chr6-137191127-A-T.
Other names: short protein forms I245F.
Identifiers: ClinVar variation 551886 (VCV000551886.7), dbSNP rs750815894, ClinGen allele CA4017703.

ClinVar aggregate classification (germline): Uncertain significance. Review status: criteria provided, single submitter (1 of 4 stars). 2 submissions from 2 submitters: Uncertain significance (1). 1 of the submissions does not count toward it. Last evaluated 2022-03-03.

Conditions:
Peroxisome biogenesis disorder 9B. Also called: PEX7-Related Refsum Disease; PEROXISOME BIOGENESIS DISORDER, PEX7-RELATED, ATYPICAL; Refsum disease, adult, 2. Identifiers: Orphanet 773, MedGen C2749346, MONDO:0013945, OMIM 614879.
Rhizomelic chondrodysplasia punctata type 1 (RCDP1). Also called: PEROXISOME BIOGENESIS DISORDER 9; PEX7-Related Rhizomelic Chondrodysplasia Punctata; CHONDRODYSTROPHIA CALCIFICANS PUNCTATA. Identifiers: Orphanet 177, Orphanet 309789, MedGen C1859133, MONDO:0008972, OMIM 215100. Disease mechanism: loss of function.

Submissions (2):

Labcorp Genetics (formerly Invitae), Labcorp
Classification: Uncertain significance for Peroxisome biogenesis disorder 9B. Last evaluated: 2022-03-03. Review status: criteria provided, single submitter. Criteria: Invitae Variant Classification Sherloc (09022015). Collection method: clinical testing. Allele origin: germline.
Comment: This sequence change replaces isoleucine, which is neutral and non-polar, with phenylalanine, which is neutral and non-polar, at codon 245 of the PEX7 protein (p.Ile245Phe). This variant is present in population databases (rs750815894, gnomAD 0.0009%). This missense change has been observed in individuals with rhizomelic chondrodysplasia punctata (PMID: 26408048; Invitae). ClinVar contains an entry for this variant (Variation ID: 551886). Algorithms developed to predict the effect of missense changes on protein structure and function are either unavailable or do not agree on the potential impact of this missense change (SIFT: "Deleterious"; PolyPhen-2: "Possibly Damaging"; Align-GVGD: "Class C0"). In summary, the available evidence is currently insufficient to determine the role of this variant in disease. Therefore, it has been classified as a Variant of Uncertain Significance.

Counsyl
Classification: Uncertain significance for Rhizomelic chondrodysplasia punctata type 1. Last evaluated: 2017-10-09. Review status: no assertion criteria provided. Collection method: clinical testing. Allele origin: unknown. Not counted in ClinVar's aggregate classification.

Literature cited by the submitters: PubMed 26408048 (cited by Labcorp Genetics (formerly Invitae), Labcorp and Counsyl).